The following is an entry in ClinVar:

NM_001020658.2(PUM1):c.3203G>A (p.Arg1068Gln)

Gene: PUM1 (pumilio RNA binding family member 1; minus strand). Cytogenetic location: 1p35.2.
Variant type: single nucleotide variant.
Coding change: c.3203G>A on transcript NM_001020658.2 (MANE Select); coding-DNA position 3203, G replaced by A.
Protein change: p.Arg1068Gln; replaces arginine 1068 with glutamine.
Molecular consequence: missense variant.
Genome position (GRCh38, 1-based): chr1:30,941,190, C>T on the plus strand (G>A on the coding strand, the complement: PUM1 is on the minus strand). VCF-style: chr1-30941190-C-T. GRCh37 (hg19) VCF-style: chr1-31414037-C-T.
Other names: c.3197G>A, p.Arg1066Gln (NM_014676.3); short protein forms R1066Q, R1068Q.
Identifiers: ClinVar variation 3901687 (VCV003901687.1).

ClinVar aggregate classification (germline): Uncertain significance (1 of 4 stars; one submission).

Submission:

GeneDx
Classification: Uncertain significance. Last evaluated: 2024-12-02. Review status: criteria provided, single submitter. Criteria: GeneDx Variant Classification Process June 2021. Collection method: clinical testing. Allele origin: germline. Affected: yes.
Comment: Not observed at significant frequency in large population cohorts (gnomAD); In silico analysis supports that this missense variant has a deleterious effect on protein structure/function; Has not been previously published as pathogenic or benign to our knowledge